The following is an entry in ClinVar:

NM_017775.4(TTC19):c.313-151T>C

Gene: TTC19 (tetratricopeptide repeat domain 19; plus strand). Cytogenetic location: 17p12.
Variant type: single nucleotide variant.
Coding change: c.313-151T>C on transcript NM_017775.4 (MANE Select); 151 bases into the intron before coding-DNA position 313, T replaced by C.
Molecular consequence: intron variant.
Genome position (GRCh38, 1-based): chr17:16,001,764, T>C. VCF-style: chr17-16001764-T-C. GRCh37 (hg19) VCF-style: chr17-15905078-T-C.
Other names: c.-9-151T>C (NM_001271420.2).
Identifiers: ClinVar variation 676777 (VCV000676777.1), dbSNP rs73978586, ClinGen allele CA288188195.

ClinVar aggregate classification (germline): Benign (1 of 4 stars; one submission).

Allele frequency attached by ClinVar (database versions not stated): gnomAD exomes 0.00348; gnomAD 0.02795 and 0.03005; 1000 Genomes Project 0.02815; TOPMed 0.03181; 1000 Genomes Project 30x 0.03201.
gnomAD v4.1: 6,123 of 664,540 alleles (0.92%); highest among the groups gnomAD compares: African/African-American, 9.6%; 280 homozygotes.

Submission:

GeneDx
Classification: Benign. Last evaluated: 2018-06-14. Review status: criteria provided, single submitter. Criteria: GeneDx Variant Classification (06012015). Collection method: clinical testing. Allele origin: germline. Affected: yes.
Comment: This variant is considered likely benign or benign based on one or more of the following criteria: it is a conservative change, it occurs at a poorly conserved position in the protein, it is predicted to be benign by multiple in silico algorithms, and/or has population frequency not consistent with disease.